The following is an entry in ClinVar:

NM_024411.5(PDYN):c.436A>C (p.Met146Leu)

Genes: PDYN-AS1 (PDYN antisense RNA 1; plus strand), PDYN (prodynorphin; minus strand). Cytogenetic location: 20p13.
Variant type: single nucleotide variant.
Coding change: c.436A>C on transcript NM_024411.5 (MANE Select); coding-DNA position 436, A replaced by C.
Protein change: p.Met146Leu; replaces methionine 146 with leucine.
Molecular consequence: missense variant.
Genome position (GRCh38, 1-based): chr20:1,980,652, T>G on the plus strand (A>C on the coding strand, the complement: PDYN is on the minus strand). VCF-style: chr20-1980652-T-G. GRCh37 (hg19) VCF-style: chr20-1961298-T-G.
Other names: p.Met146Leu; c.436A>C, p.Met146Leu (NM_001190892.1, NM_001190898.3, NM_001190899.2 and 1 more transcripts); short protein forms M146L.
Identifiers: ClinVar variation 337839 (VCV000337839.52), dbSNP rs77155664, ClinGen allele CA9730299.

ClinVar aggregate classification (germline): Benign/Likely benign. Review status: criteria provided, multiple submitters, no conflicts (2 of 4 stars). 11 submissions from 11 submitters: Benign (5); Likely benign (6). Last evaluated 2026-04-29.

Conditions:
PDYN-related disorder. Also called: PDYN-related condition.
Spinocerebellar ataxia type 23 (SCA23). Identifiers: Orphanet 101108, MedGen C1853250, MONDO:0012449, OMIM 610245.

Allele frequency attached by ClinVar (database versions not stated): 1000 Genomes Project 30x 0.00109; 1000 Genomes Project 0.00120; TOPMed 0.00419; ExAC 0.00463; ESP Exome Variant Server 0.00523; gnomAD 0.00698; gnomAD exomes 0.00698.

Submissions (11):

PreventionGenetics, part of Exact Sciences
Classification: Benign for PDYN-related condition. Last evaluated: 2026-04-29. Review status: criteria provided, single submitter. Criteria: ACMG Guidelines, 2015. Collection method: clinical testing. Allele origin: germline.
Comment: This variant is classified as benign based on ACMG/AMP sequence variant interpretation guidelines (Richards et al. 2015 PMID: 25741868, with internal and published modifications).

CeGaT Center for Human Genetics Tuebingen
Classification: Likely benign. Last evaluated: 2026-03-01. Review status: criteria provided, single submitter. Criteria: CeGaT Center For Human Genetics Tuebingen Variant Classification Criteria Version 2. Collection method: clinical testing. Allele origin: germline. Affected: yes. Observed: 21 variant alleles.
Comment: PDYN: BP4, BS2

Labcorp Genetics (formerly Invitae), Labcorp
Classification: Benign. Last evaluated: 2026-01-26. Review status: criteria provided, single submitter. Criteria: Invitae Variant Classification Sherloc (09022015). Collection method: clinical testing. Allele origin: germline.

Blueprint Genetics
Classification: Likely benign. Last evaluated: 2024-11-22. Review status: criteria provided, single submitter. Criteria: ACMG Guidelines, 2015. Collection method: clinical testing. Allele origin: germline.

Athena Diagnostics
Classification: Benign. Last evaluated: 2024-06-24. Review status: criteria provided, single submitter. Criteria: Athena Diagnostics Criteria. Collection method: clinical testing. Allele origin: unknown.

GeneDx
Classification: Likely benign. Last evaluated: 2022-09-15. Review status: criteria provided, single submitter. Criteria: GeneDx Variant Classification Process June 2021. Collection method: clinical testing. Allele origin: germline. Affected: yes.
Comment: See Variant Classification Assertion Criteria.

Mayo Clinic Laboratories, Mayo Clinic
Classification: Benign. Last evaluated: 2019-11-20. Review status: criteria provided, single submitter. Criteria: ACMG Guidelines, 2015. Collection method: clinical testing. Allele origin: germline. Observed: 17 variant alleles.

Illumina Laboratory Services, Illumina
Classification: Benign for Spinocerebellar ataxia type 23. Last evaluated: 2018-01-12. Review status: criteria provided, single submitter. Criteria: ICSL Variant Classification Criteria 13 December 2019. Collection method: clinical testing. Allele origin: germline.
Comment: This variant was observed in the ICSL laboratory as part of a predisposition screen in an ostensibly healthy population. It had not been previously curated by ICSL or reported in the Human Gene Mutation Database (HGMD: prior to June 1st, 2018), and was therefore a candidate for classification through an automated scoring system. Utilizing variant allele frequency, disease prevalence and penetrance estimates, and inheritance mode, an automated score was calculated to assess if this variant is too frequent to cause the disease. Based on the score and internal cut-off values, a variant classified as benign is not then subjected to further curation. The score for this variant resulted in a classification of benign for this disease.

Genome Diagnostics Laboratory, University Medical Center Utrecht
Classification: Likely benign for Spinocerebellar ataxia type 23. Last evaluated: 2017-07-28. Review status: criteria provided, single submitter. Criteria: ACGS Guidelines, 2013. Collection method: clinical testing. Allele origin: germline. Affected: yes. Study: VKGL Data-share Consensus.

Clinical Genetics DNA and cytogenetics Diagnostics Lab, Erasmus MC, Erasmus Medical Center
Classification: Likely benign for Spinocerebellar ataxia type 23. Last evaluated: 2015-09-21. Review status: criteria provided, single submitter. Criteria: ACGS Guidelines, 2013. Collection method: clinical testing. Allele origin: germline. Affected: yes. Study: VKGL Data-share Consensus.

Breakthrough Genomics
Classification: Likely benign. Review status: criteria provided, single submitter. Criteria: ACMG Guidelines, 2015. Collection method: not provided. Allele origin: germline. Inheritance: Autosomal dominant inheritance. Affected: yes.

Literature cited by the submitters: PubMed 21035104 (cited by Athena Diagnostics); PubMed 22287014 (cited by Athena Diagnostics).